The following is an entry in ClinVar:

NM_004667.6(HERC2):c.12018G>A (p.Leu4006=)

Gene: HERC2 (HECT and RLD domain containing E3 ubiquitin protein ligase 2; minus strand). Cytogenetic location: 15q13.1.
Variant type: single nucleotide variant.
Coding change: c.12018G>A on transcript NM_004667.6 (MANE Select); coding-DNA position 12018, G replaced by A.
Protein change: p.Leu4006=; no amino-acid change (leucine 4006 retained).
Molecular consequence: synonymous variant.
Genome position (GRCh38, 1-based): chr15:28,135,690, C>T on the plus strand (G>A on the coding strand, the complement: HERC2 is on the minus strand). VCF-style: chr15-28135690-C-T. GRCh37 (hg19) VCF-style: chr15-28380836-C-T.
Identifiers: ClinVar variation 3257626 (VCV003257626.18).

ClinVar aggregate classification (germline): Likely benign. Review status: criteria provided, multiple submitters, no conflicts (2 of 4 stars). 2 submissions from 2 submitters: Likely benign (2). Last evaluated 2026-04-01.

gnomAD v4.1: 370 of 1,612,716 alleles (0.023%); highest among the groups gnomAD compares: South Asian, 0.38%; 7 homozygotes.

Submissions (2):

CeGaT Center for Human Genetics Tuebingen
Classification: Likely benign. Last evaluated: 2026-04-01. Review status: criteria provided, single submitter. Criteria: CeGaT Center For Human Genetics Tuebingen Variant Classification Criteria Version 2. Collection method: clinical testing. Allele origin: germline. Affected: yes. Observed: 3 variant alleles.
Comment: HERC2: BP4, BP7

Blueprint Genetics
Classification: Likely benign. Last evaluated: 2024-11-22. Review status: criteria provided, single submitter. Criteria: ACMG Guidelines, 2015. Collection method: clinical testing. Allele origin: germline.